The following is an entry in ClinVar:

ClinVar aggregate classification (germline): Uncertain significance (1 of 4 stars; one submission).

Conditions:
Combined oxidative phosphorylation defect type 17. Also called: Combined oxidative phosphorylation deficiency 17. Identifiers: Orphanet 369913, MedGen C3809526, MONDO:0014190, OMIM 615440.

Allele frequency attached by ClinVar (database versions not stated): ESP Exome Variant Server 0.00008.

Submission:

Labcorp Genetics (formerly Invitae), Labcorp
Classification: Uncertain significance for Combined oxidative phosphorylation defect type 17. Last evaluated: 2022-07-15. Review status: criteria provided, single submitter. Criteria: Invitae Variant Classification Sherloc (09022015). Collection method: clinical testing. Allele origin: germline.
Comment: This sequence change replaces valine, which is neutral and non-polar, with isoleucine, which is neutral and non-polar, at codon 823 of the ELAC2 protein (p.Val823Ile). This variant is not present in population databases (gnomAD no frequency). This variant has not been reported in the literature in individuals affected with ELAC2-related conditions. Algorithms developed to predict the effect of missense changes on protein structure and function (SIFT, PolyPhen-2, Align-GVGD) all suggest that this variant is likely to be tolerated. In summary, the available evidence is currently insufficient to determine the role of this variant in disease. Therefore, it has been classified as a Variant of Uncertain Significance.

NM_018127.7(ELAC2):c.2467G>A (p.Val823Ile)

Gene: ELAC2 (elaC ribonuclease Z 2; minus strand). Cytogenetic location: 17p12.
Variant type: single nucleotide variant.
Coding change: c.2467G>A on transcript NM_018127.7 (MANE Select); coding-DNA position 2467, G replaced by A.
Protein change: p.Val823Ile; replaces valine 823 with isoleucine.
Molecular consequence: missense variant.
Genome position (GRCh38, 1-based): chr17:12,992,832, C>T on the plus strand (G>A on the coding strand, the complement: ELAC2 is on the minus strand). VCF-style: chr17-12992832-C-T. GRCh37 (hg19) VCF-style: chr17-12896149-C-T.
Other names: c.2347G>A, p.Val783Ile (NM_001165962.2); c.2464G>A, p.Val822Ile (NM_173717.2); short protein forms V783I, V822I, V823I.
Identifiers: ClinVar variation 2098971 (VCV002098971.4), dbSNP rs376515152, ClinGen allele CA288074910.